The following is an entry in ClinVar:

ClinVar aggregate classification (germline): Uncertain significance (1 of 4 stars; one submission).

Conditions:
Developmental and epileptic encephalopathy, 11 (DEE11). Also called: Early infantile epileptic encephalopathy 11. Identifiers: Orphanet 1934, MedGen C3150987, MONDO:0013388, OMIM 613721.
Seizures, benign familial infantile, 3 (BFIS3). Also called: Familial neonatal seizures; CONVULSIONS, BENIGN FAMILIAL INFANTILE, 3. Identifiers: Orphanet 140927, Orphanet 306, MedGen C1843140, MONDO:0011904, OMIM 607745.

Allele frequency attached by ClinVar (database versions not stated): TOPMed 0.00002.
gnomAD v4.1: 6 of 1,614,082 alleles (0.00037%); highest among the groups gnomAD compares: Non-Finnish European, 0.00051%; no homozygotes.

Submission:

Labcorp Genetics (formerly Invitae), Labcorp
Classification: Uncertain significance for Seizures, benign familial infantile, 3; Developmental and epileptic encephalopathy, 11. Last evaluated: 2024-08-05. Review status: criteria provided, single submitter. Criteria: Invitae Variant Classification Sherloc (09022015). Collection method: clinical testing. Allele origin: germline.
Comment: This sequence change replaces glutamic acid, which is acidic and polar, with aspartic acid, which is acidic and polar, at codon 1788 of the SCN2A protein (p.Glu1788Asp). This variant is present in population databases (rs199925238, gnomAD 0.002%). This missense change has been observed in individual(s) with clinical features of SCN2A-related conditions (Invitae). ClinVar contains an entry for this variant (Variation ID: 661642). Advanced modeling of protein sequence and biophysical properties (such as structural, functional, and spatial information, amino acid conservation, physicochemical variation, residue mobility, and thermodynamic stability) has been performed at Invitae for this missense variant, however the output from this modeling did not meet the statistical confidence thresholds required to predict the impact of this variant on SCN2A protein function. In summary, the available evidence is currently insufficient to determine the role of this variant in disease. Therefore, it has been classified as a Variant of Uncertain Significance.

NM_001040142.2(SCN2A):c.5364G>T (p.Glu1788Asp)

Gene: SCN2A (sodium voltage-gated channel alpha subunit 2; plus strand). Cytogenetic location: 2q24.3.
Variant type: single nucleotide variant.
Coding change: c.5364G>T on transcript NM_001040142.2 (MANE Select); coding-DNA position 5364, G replaced by T.
Protein change: p.Glu1788Asp; replaces glutamic acid 1788 with aspartic acid.
Molecular consequence: missense variant.
Genome position (GRCh38, 1-based): chr2:165,389,170, G>T. VCF-style: chr2-165389170-G-T. GRCh37 (hg19) VCF-style: chr2-166245680-G-T.
Other names: c.5364G>T, p.Glu1788Asp (NM_001040143.2, NM_001371246.1, NM_001371247.1 and 1 more transcripts); short protein forms E1788D.
Identifiers: ClinVar variation 661642 (VCV000661642.11), dbSNP rs199925238, ClinGen allele CA1940386.